The following is an entry in ClinVar:

NM_000535.7(PMS2):c.622C>G (p.Gln208Glu)

Gene: PMS2 (PMS1 homolog 2, mismatch repair system component; minus strand). Cytogenetic location: 7p22.1.
Variant type: single nucleotide variant.
Coding change: c.622C>G on transcript NM_000535.7 (MANE Select); coding-DNA position 622, C replaced by G.
Protein change: p.Gln208Glu; replaces glutamine 208 with glutamic acid.
Molecular consequence: missense variant. On other transcripts: 5 prime UTR variant (2), non-coding transcript variant (1), intron variant (1).
Genome position (GRCh38, 1-based): chr7:5,999,191, G>C on the plus strand (C>G on the coding strand, the complement: PMS2 is on the minus strand). VCF-style: chr7-5999191-G-C. GRCh37 (hg19) VCF-style: chr7-6038822-G-C.
Other names: c.217C>G, p.Gln73Glu (NM_001322003.2, NM_001322004.2, NM_001322005.2 and 2 more transcripts); c.622C>G, p.Gln208Glu (NM_001322006.2, NM_001322014.2); c.304C>G, p.Gln102Glu (NM_001322007.2, NM_001322008.2); c.-312C>G (NM_001322011.2, NM_001322012.2); c.313C>G, p.Gln105Glu (NM_001322015.2); c.133-1768C>G (NM_001322013.2); short protein forms Q102E, Q105E, Q208E, Q73E.
Identifiers: ClinVar variation 923166 (VCV000923166.7), dbSNP rs1784808623, ClinGen allele CA366743968.

ClinVar aggregate classification (germline): Uncertain significance. Review status: criteria provided, multiple submitters, no conflicts (2 of 4 stars). 2 submissions from 2 submitters: Uncertain significance (2). Last evaluated 2024-03-06.

Conditions:
Hereditary cancer-predisposing syndrome. Also called: Neoplastic Syndromes, Hereditary; Tumor predisposition; Hereditary Cancer Syndrome; Hereditary neoplastic syndrome. Identifiers: Orphanet 140162, MedGen C0027672, MeSH D009386, MONDO:0015356.
Hereditary nonpolyposis colorectal neoplasms. Identifiers: MedGen C0009405, MeSH D003123.

Allele frequency attached by ClinVar (database versions not stated): gnomAD exomes below 0.00001.
gnomAD v4.1: 1 of 1,613,960 alleles (0.000062%); highest among the groups gnomAD compares: East Asian, 0.0022%; no homozygotes.

Submissions (2):

Color Diagnostics, LLC DBA Color Health
Classification: Uncertain significance for Hereditary cancer-predisposing syndrome. Last evaluated: 2024-03-06. Review status: criteria provided, single submitter. Criteria: ACMG Guidelines, 2015. Collection method: clinical testing. Allele origin: germline.
Comment: This missense variant replaces glutamine with glutamic acid at codon 208 of the PMS2 protein. Computational prediction suggests that this variant may not impact protein structure and function (internally defined REVEL score threshold <= 0.5, PMID: 27666373). Splice site prediction tools suggest that this variant may not impact RNA splicing. To our knowledge, functional studies have not been performed for this variant. This variant has not been reported in individuals affected with hereditary cancer in the literature. This variant has not been identified in the general population by the Genome Aggregation Database (gnomAD). The available evidence is insufficient to determine the role of this variant in disease conclusively. Therefore, this variant is classified as a Variant of Uncertain Significance.

Labcorp Genetics (formerly Invitae), Labcorp
Classification: Uncertain significance for Hereditary nonpolyposis colorectal neoplasms. Last evaluated: 2023-02-16. Review status: criteria provided, single submitter. Criteria: Invitae Variant Classification Sherloc (09022015). Collection method: clinical testing. Allele origin: germline.
Comment: This sequence change replaces glutamine, which is neutral and polar, with glutamic acid, which is acidic and polar, at codon 208 of the PMS2 protein (p.Gln208Glu). In summary, the available evidence is currently insufficient to determine the role of this variant in disease. Therefore, it has been classified as a Variant of Uncertain Significance. Advanced modeling of protein sequence and biophysical properties (such as structural, functional, and spatial information, amino acid conservation, physicochemical variation, residue mobility, and thermodynamic stability) performed at Invitae indicates that this missense variant is expected to disrupt PMS2 protein function. ClinVar contains an entry for this variant (Variation ID: 923166). This variant has not been reported in the literature in individuals affected with PMS2-related conditions. This variant is not present in population databases (gnomAD no frequency).